The following is an entry in ClinVar:

ClinVar aggregate classification (germline): Uncertain significance. Review status: criteria provided, multiple submitters, no conflicts (2 of 4 stars). 8 submissions from 8 submitters: Uncertain significance (8). Last evaluated 2026-06-30.

Conditions:
COL3A1-related disorder. Also called: COL3A1-related condition.
Polymicrogyria with or without vascular-type Ehlers-Danlos syndrome. Identifiers: Orphanet 636941, MedGen C5193040, MONDO:0032688, OMIM 618343.
Ehlers-Danlos syndrome, type 4 (EDSVASC). Also called: Ehlers-Danlos syndrome vascular type; Ehlers Danlos syndrome, ecchymotic type; Ehlers Danlos syndrome, arterial type; Ehlers Danlos syndrome, Sack-Barabas type; Ehlers-Danlos Syndrome Type IV. Identifiers: Orphanet 286, MedGen C0268338, MONDO:0017314, OMIM 130050.
Familial thoracic aortic aneurysm and aortic dissection (TAAD). Also called: Thoracic aortic aneurysms and dissections. Identifiers: Orphanet 91387, MedGen C4707243, MONDO:0019625.

Allele frequency attached by ClinVar (database versions not stated): gnomAD 0.00004; 1000 Genomes Project 0.00020; 1000 Genomes Project 30x 0.00031.

Submissions (8):

PreventionGenetics, part of Exact Sciences
Classification: Uncertain significance for COL3A1-related condition. Last evaluated: 2026-06-30. Review status: criteria provided, single submitter. Criteria: ACMG Guidelines, 2015. Collection method: clinical testing. Allele origin: germline.
Comment: The COL3A1 c.272C>T variant is predicted to result in the amino acid substitution p.Pro91Leu. To our knowledge, this variant has not been reported in the literature. This variant is reported in one heterozygous individual within the 'other' subpopulation in gnomAD. At this time, the clinical significance of this variant is uncertain due to the absence of conclusive functional and genetic evidence.

Women's Health and Genetics/Laboratory Corporation of America, LabCorp
Classification: Uncertain significance. Last evaluated: 2026-04-08. Review status: criteria provided, single submitter. Criteria: LabCorp Variant Classification Summary - May 2015. Collection method: clinical testing. Allele origin: germline.
Comment: Variant summary: COL3A1 c.272C>T (p.Pro91Leu) results in a non-conservative amino acid change in the encoded protein sequence. Algorithms developed to predict the effect of missense changes on protein structure and function all suggest that this variant is likely to be disruptive. The variant was absent in 250196 control chromosomes. The available data on variant occurrences in the general population are insufficient to allow any conclusion about variant significance. To our knowledge, no occurrence of c.272C>T in individuals affected with COL3A1-related conditions and no experimental evidence demonstrating its impact on protein function have been reported. ClinVar contains an entry for this variant (Variation ID: 529312). Based on the evidence outlined above, the variant was classified as uncertain significance.

Labcorp Genetics (formerly Invitae), Labcorp
Classification: Uncertain significance for Ehlers-Danlos syndrome, type 4. Last evaluated: 2025-01-28. Review status: criteria provided, single submitter. Criteria: Invitae Variant Classification Sherloc (09022015). Collection method: clinical testing. Allele origin: germline.
Comment: This sequence change replaces proline, which is neutral and non-polar, with leucine, which is neutral and non-polar, at codon 91 of the COL3A1 protein (p.Pro91Leu). This variant is present in population databases (rs534898281, gnomAD 0.1%). This variant has not been reported in the literature in individuals affected with COL3A1-related conditions. ClinVar contains an entry for this variant (Variation ID: 529312). Invitae Evidence Modeling of protein sequence and biophysical properties (such as structural, functional, and spatial information, amino acid conservation, physicochemical variation, residue mobility, and thermodynamic stability) indicates that this missense variant is not expected to disrupt COL3A1 protein function with a negative predictive value of 95%. In summary, the available evidence is currently insufficient to determine the role of this variant in disease. Therefore, it has been classified as a Variant of Uncertain Significance.

All of Us Research Program, National Institutes of Health
Classification: Uncertain significance for Ehlers-Danlos syndrome, type 4. Last evaluated: 2024-09-23. Review status: criteria provided, single submitter. Criteria: ACMG Guidelines, 2015. Collection method: clinical testing. Allele origin: germline. Inheritance: Autosomal dominant inheritance. Observed: 16 variant alleles, 16 heterozygotes.
Comment: This missense variant replaces proline with leucine at codon 91 of the COL3A1 protein. Computational prediction suggests that this variant may not impact protein structure and function (internally defined REVEL score threshold <= 0.5, PMID: 27666373). To our knowledge, functional studies have not been reported for this variant. This variant has not been reported in individuals affected with COL3A1-related disorders in the literature. This variant has been identified in 1/31382 chromosomes in the general population by the Genome Aggregation Database (gnomAD). The available evidence is insufficient to determine the role of this variant in disease conclusively. Therefore, this variant is classified as a Variant of Uncertain Significance.

This study involves interpretation of variants in research participants for the purpose of population health screening. Participant phenotype was not available at the time of variant classification. Additional details can be found in publication PMID: 35346344, PMCID: PMC8962531

Fulgent Genetics
Classification: Uncertain significance for Ehlers-Danlos syndrome, type 4; Polymicrogyria with or without vascular-type Ehlers-Danlos syndrome. Last evaluated: 2024-05-16. Review status: criteria provided, single submitter. Criteria: ACMG Guidelines, 2015. Collection method: clinical testing. Allele origin: germline.

Color Diagnostics, LLC DBA Color Health
Classification: Uncertain significance for Familial thoracic aortic aneurysm and aortic dissection. Last evaluated: 2024-03-06. Review status: criteria provided, single submitter. Criteria: ACMG Guidelines, 2015. Collection method: clinical testing. Allele origin: germline.
Comment: This missense variant replaces proline with leucine at codon 91 of the COL3A1 protein. Computational prediction suggests that this variant may not impact protein structure and function (internally defined REVEL score threshold <= 0.5, PMID: 27666373). To our knowledge, functional studies have not been reported for this variant. This variant has not been reported in individuals affected with COL3A1-related disorders in the literature. This variant has been identified in 1/31382 chromosomes in the general population by the Genome Aggregation Database (gnomAD). The available evidence is insufficient to determine the role of this variant in disease conclusively. Therefore, this variant is classified as a Variant of Uncertain Significance.

GeneDx
Classification: Uncertain significance. Last evaluated: 2024-01-22. Review status: criteria provided, single submitter. Criteria: GeneDx Variant Classification Process June 2021. Collection method: clinical testing. Allele origin: germline. Affected: yes.
Comment: Has not been previously published as pathogenic or benign to our knowledge; Not observed at significant frequency in large population cohorts (gnomAD); In silico analysis supports that this missense variant does not alter protein structure/function; Not located in the triple helical region, where the majority of pathogenic missense variants occur (HGMD)

Ambry Genetics
Classification: Uncertain significance for Familial thoracic aortic aneurysm and aortic dissection. Last evaluated: 2023-06-02. Review status: criteria provided, single submitter. Criteria: Ambry Variant Classification Scheme 2023. Collection method: clinical testing. Allele origin: germline.
Comment: The p.P91L variant (also known as c.272C>T), located in coding exon 2 of the COL3A1 gene, results from a C to T substitution at nucleotide position 272. The proline at codon 91 is replaced by leucine, an amino acid with similar properties. This amino acid position is not well conserved in available vertebrate species. In addition, this alteration is predicted to be tolerated by in silico analysis. Since supporting evidence is limited at this time, the clinical significance of this alteration remains unclear.

NM_000090.4(COL3A1):c.272C>T (p.Pro91Leu)

Gene: COL3A1 (collagen type III alpha 1 chain; plus strand). Cytogenetic location: 2q32.2.
Variant type: single nucleotide variant.
Coding change: c.272C>T on transcript NM_000090.4 (MANE Select); coding-DNA position 272, C replaced by T.
Protein change: p.Pro91Leu; replaces proline 91 with leucine.
Molecular consequence: missense variant.
Genome position (GRCh38, 1-based): chr2:188,984,952, C>T. VCF-style: chr2-188984952-C-T. GRCh37 (hg19) VCF-style: chr2-189849678-C-T.
Other names: short protein forms P91L.
Identifiers: ClinVar variation 529312 (VCV000529312.18), dbSNP rs534898281, ClinGen allele CA62585482.
Genomic context (GRCh38, chr2:188,984,952, plus strand): 5'-AATTAGACTGCCCCAACCCAGAAATTCCATTTGGAGAATGTTGTGCAGTTTGCCCACAGC[C>T]TCCAACTGCTGTGAGTTTAAAGATAAACTGTACATCTTCAATATTCATATTTAGACACAT-3'
Protein context (NP_000081.2, residues 81-101): FGECCAVCPQ[Pro91Leu]PTAPTRPPNG